The following is an entry in ClinVar:

NM_014283.5(SUCO):c.3158A>G (p.Tyr1053Cys)

Gene: SUCO (SUN domain containing ossification factor; plus strand). Cytogenetic location: 1q24.3.
Variant type: single nucleotide variant.
Coding change: c.3158A>G on transcript NM_014283.5 (MANE Select); coding-DNA position 3158, A replaced by G.
Protein change: p.Tyr1053Cys; replaces tyrosine 1053 with cysteine.
Molecular consequence: missense variant.
Genome position (GRCh38, 1-based): chr1:172,602,203, A>G. VCF-style: chr1-172602203-A-G. GRCh37 (hg19) VCF-style: chr1-172571343-A-G.
Other names: c.2045A>G, p.Tyr682Cys (NM_001282750.2); c.1469A>G, p.Tyr490Cys (NM_001282751.2); c.3611A>G, p.Tyr1204Cys (NM_016227.4); short protein forms Y1053C, Y490C, Y1204C, Y682C.
Identifiers: ClinVar variation 2020526 (VCV002020526.5), dbSNP rs143269264, ClinGen allele CA1247243.

ClinVar aggregate classification (germline): Uncertain significance. Review status: criteria provided, multiple submitters, no conflicts (2 of 4 stars). 2 submissions from 2 submitters: Uncertain significance (2). Last evaluated 2025-08-25.

Allele frequency attached by ClinVar (database versions not stated): ESP Exome Variant Server 0.00046; gnomAD 0.00030; TOPMed 0.00026; ExAC 0.00028; gnomAD exomes 0.00037.
gnomAD v4.1: 586 of 1,609,962 alleles (0.036%); highest among the groups gnomAD compares: Non-Finnish European, 0.045%; no homozygotes.

Submissions (2):

Labcorp Genetics (formerly Invitae), Labcorp
Classification: Uncertain significance. Last evaluated: 2025-08-25. Review status: criteria provided, single submitter. Criteria: Invitae Variant Classification Sherloc (09022015). Collection method: clinical testing. Allele origin: germline.
Comment: This sequence change replaces tyrosine, which is neutral and polar, with cysteine, which is neutral and slightly polar, at codon 1053 of the SUCO protein (p.Tyr1053Cys). This variant is present in population databases (rs143269264, gnomAD 0.05%). This variant has not been reported in the literature in individuals affected with SUCO-related conditions. ClinVar contains an entry for this variant (Variation ID: 2020526). An algorithm developed to predict the effect of missense changes on protein structure and function (PolyPhen-2) suggests that this variant is likely to be disruptive. In summary, the available evidence is currently insufficient to determine the role of this variant in disease. Therefore, it has been classified as a Variant of Uncertain Significance.

Ambry Genetics
Classification: Uncertain significance. Last evaluated: 2021-09-21. Review status: criteria provided, single submitter. Criteria: Ambry Variant Classification Scheme 2023. Collection method: clinical testing. Allele origin: germline.